The following is an entry in ClinVar:

NM_000478.6(ALPL):c.1053G>C (p.Glu351Asp)

Gene: ALPL (alkaline phosphatase, biomineralization associated; plus strand). Cytogenetic location: 1p36.12.
Variant type: single nucleotide variant.
Coding change: c.1053G>C on transcript NM_000478.6 (MANE Select); coding-DNA position 1053, G replaced by C.
Protein change: p.Glu351Asp; replaces glutamic acid 351 with aspartic acid.
Molecular consequence: missense variant.
Genome position (GRCh38, 1-based): chr1:21,575,788, G>C. VCF-style: chr1-21575788-G-C. GRCh37 (hg19) VCF-style: chr1-21902281-G-C.
Other names: c.888G>C, p.Glu296Asp (NM_001127501.4); c.822G>C, p.Glu274Asp (NM_001177520.3); c.1053G>C, p.Glu351Asp (NM_001369803.2, NM_001369804.2, NM_001369805.2); short protein forms E351D, E274D, E296D.
Identifiers: ClinVar variation 2087759 (VCV002087759.4), dbSNP rs2545342161, ClinGen allele CA338881114.

ClinVar aggregate classification (germline): Uncertain significance (1 of 4 stars; one submission).

gnomAD v4.1: 1 of 1,614,252 alleles (0.000062%); highest among the groups gnomAD compares: Non-Finnish European, 0.000085%; no homozygotes.

Submission:

Labcorp Genetics (formerly Invitae), Labcorp
Classification: Uncertain significance. Last evaluated: 2022-07-05. Review status: criteria provided, single submitter. Criteria: Invitae Variant Classification Sherloc (09022015). Collection method: clinical testing. Allele origin: germline.
Comment: In summary, the available evidence is currently insufficient to determine the role of this variant in disease. Therefore, it has been classified as a Variant of Uncertain Significance. Advanced modeling of protein sequence and biophysical properties (such as structural, functional, and spatial information, amino acid conservation, physicochemical variation, residue mobility, and thermodynamic stability) performed at Invitae indicates that this missense variant is expected to disrupt ALPL protein function. This variant has not been reported in the literature in individuals affected with ALPL-related conditions. This sequence change replaces glutamic acid, which is acidic and polar, with aspartic acid, which is acidic and polar, at codon 351 of the ALPL protein (p.Glu351Asp). This variant is not present in population databases (gnomAD no frequency).